The following is an entry in ClinVar:

ClinVar aggregate classification (germline): Likely benign. Review status: criteria provided, multiple submitters, no conflicts (2 of 4 stars). 6 submissions from 6 submitters: Likely benign (5). 1 of the submissions does not count toward it. Last evaluated 2026-04-01.

Conditions:
Inborn genetic diseases. Identifiers: MedGen C0950123, MeSH D030342.
Intellectual developmental disorder with autism and macrocephaly. Also called: Autism, susceptibility to, 18; CHD8-Related Neurodevelopmental Disorder with Overgrowth. Identifiers: Orphanet 642675, MedGen C3554373, MONDO:0014017, OMIM 615032.

Allele frequency attached by ClinVar (database versions not stated): gnomAD exomes 0.00016 and 0.00039; gnomAD 0.00019; TOPMed 0.00024; ExAC 0.00031; ESP Exome Variant Server 0.00033.
gnomAD v4.1: 286 of 1,613,994 alleles (0.018%); highest among the groups gnomAD compares: Middle Eastern, 0.066%; 1 homozygote.

Submissions (6):

CeGaT Center for Human Genetics Tuebingen
Classification: Likely benign. Last evaluated: 2026-04-01. Review status: criteria provided, single submitter. Criteria: CeGaT Center For Human Genetics Tuebingen Variant Classification Criteria Version 2. Collection method: clinical testing. Allele origin: germline. Affected: yes. Observed: 2 variant alleles.
Comment: CHD8: PP2, BP4, BS1

Labcorp Genetics (formerly Invitae), Labcorp
Classification: Likely benign. Last evaluated: 2025-10-22. Review status: criteria provided, single submitter. Criteria: Invitae Variant Classification Sherloc (09022015). Collection method: clinical testing. Allele origin: germline.

Blueprint Genetics
Classification: Likely benign. Last evaluated: 2024-09-16. Review status: criteria provided, single submitter. Criteria: ACMG Guidelines, 2015. Collection method: clinical testing. Allele origin: germline.

Ambry Genetics
Classification: Likely benign for Inborn genetic diseases. Last evaluated: 2021-07-23. Review status: criteria provided, single submitter. Criteria: Ambry Variant Classification Scheme 2023. Collection method: clinical testing. Allele origin: germline.

Breakthrough Genomics
Classification: Likely benign. Review status: criteria provided, single submitter. Criteria: ACMG Guidelines, 2015. Collection method: not provided. Allele origin: germline. Inheritance: Autosomal dominant inheritance. Affected: yes.

Department of Pathology and Laboratory Medicine, Sinai Health System
Classification: Likely pathogenic for Intellectual developmental disorder with autism and macrocephaly. Review status: no assertion criteria provided. Collection method: clinical testing. Allele origin: unknown. Affected: yes. Study: The Canadian Open Genetics Repository (COGR). Not counted in ClinVar's aggregate classification.
Comment: The CHD8 p.L2114F variant was not identified in the literature. The variant was identified in dbSNP (ID: rs200566427) and ClinVar (classified as likely benign by Invitae). The variant was identified in control databases in 101 of 280646 chromosomes (1 homozygous) at a frequency of 0.0003599 increasing the likelihood this could be a low frequency benign variant (Genome Aggregation Database March 6, 2019, v2.1.1). The variant was observed in the following populations: Ashkenazi Jewish in 71 of 10354 chromosomes (freq: 0.006857), Other in 9 of 7136 chromosomes (freq: 0.001261), European (non-Finnish) in 21 of 128428 chromosomes (freq: 0.000164), but was not observed in the African, Latino, East Asian, European (Finnish), or South Asian populations. The p.-- residue is conserved in mammals and computational analyses (MUT Assesor, PolyPhen-2, SIFT, MutationTaster, Revel, FATHMM, MetaLR, DANN) provide inconsistent predictions regarding the impact to the protein; this information is not very predictive of pathogenicity. The variant occurs outside of the splicing consensus sequence and in silico or computational prediction software programs (Splice AI exome) do not predict a difference in splicing. In summary, based on the above information the clinical significance of this variant cannot be determined with certainty at this time. This variant is classified as a variant of uncertain significance.Â¬â€

NM_001170629.2(CHD8):c.6340C>T (p.Leu2114Phe)

Gene: CHD8 (chromodomain helicase DNA binding protein 8; minus strand). Cytogenetic location: 14q11.2.
Variant type: single nucleotide variant.
Coding change: c.6340C>T on transcript NM_001170629.2 (MANE Select); coding-DNA position 6340, C replaced by T.
Protein change: p.Leu2114Phe; replaces leucine 2114 with phenylalanine.
Molecular consequence: missense variant.
Genome position (GRCh38, 1-based): chr14:21,393,234, G>A on the plus strand (C>T on the coding strand, the complement: CHD8 is on the minus strand). VCF-style: chr14-21393234-G-A. GRCh37 (hg19) VCF-style: chr14-21861393-G-A.
Other names: c.5503C>T, p.Leu1835Phe (NM_020920.4); short protein forms L2114F, L1835F.
Identifiers: ClinVar variation 703591 (VCV000703591.43), dbSNP rs200566427, ClinGen allele CA7090793.